The following is an entry in ClinVar:

ClinVar aggregate classification (germline): Likely benign (1 of 4 stars; one submission).

gnomAD v4.1: 14 of 1,613,018 alleles (0.00087%); highest among the groups gnomAD compares: Middle Eastern, 0.033%; no homozygotes.

Submission:

CeGaT Center for Human Genetics Tuebingen
Classification: Likely benign. Last evaluated: 2026-02-01. Review status: criteria provided, single submitter. Criteria: CeGaT Center For Human Genetics Tuebingen Variant Classification Criteria Version 2. Collection method: clinical testing. Allele origin: germline. Affected: yes. Observed: 1 variant allele.
Comment: HIVEP2: BP4

NM_006734.4(HIVEP2):c.3401A>G (p.Asp1134Gly)

Gene: HIVEP2 (HIVEP zinc finger 2; minus strand). Cytogenetic location: 6q24.2.
Variant type: single nucleotide variant.
Coding change: c.3401A>G on transcript NM_006734.4 (MANE Select); coding-DNA position 3401, A replaced by G.
Protein change: p.Asp1134Gly; replaces aspartic acid 1134 with glycine.
Molecular consequence: missense variant.
Genome position (GRCh38, 1-based): chr6:142,771,338, T>C on the plus strand (A>G on the coding strand, the complement: HIVEP2 is on the minus strand). VCF-style: chr6-142771338-T-C. GRCh37 (hg19) VCF-style: chr6-143092475-T-C.
Other names: c.3401A>G, p.Asp1134Gly (NM_001438449.1, NM_001438450.1, NM_001438451.1); short protein forms D1134G.
Identifiers: ClinVar variation 4821430 (VCV004821430.4).